The following is an entry in ClinVar:

NM_014846.4(WASHC5):c.1144G>C (p.Asp382His)

Gene: WASHC5 (WASH complex subunit 5; minus strand). Cytogenetic location: 8q24.13.
Variant type: single nucleotide variant.
Coding change: c.1144G>C on transcript NM_014846.4 (MANE Select); coding-DNA position 1144, G replaced by C.
Protein change: p.Asp382His; replaces aspartic acid 382 with histidine.
Molecular consequence: missense variant.
Genome position (GRCh38, 1-based): chr8:125,073,159, C>G on the plus strand (G>C on the coding strand, the complement: WASHC5 is on the minus strand). VCF-style: chr8-125073159-C-G. GRCh37 (hg19) VCF-style: chr8-126085401-C-G.
Other names: c.700G>C, p.Asp234His (NM_001330609.2); short protein forms D234H, D382H.
Identifiers: ClinVar variation 2636618 (VCV002636618.1), dbSNP rs2537369713, ClinGen allele CA372194068.

ClinVar aggregate classification (germline): Uncertain significance (1 of 4 stars; one submission).

Conditions:
WASHC5-related disorder. Also called: WASHC5-related condition.

Submission:

PreventionGenetics, part of Exact Sciences
Classification: Uncertain significance for WASHC5-related condition. Last evaluated: 2023-06-17. Review status: criteria provided, single submitter. Criteria: ACMG Guidelines, 2015. Collection method: clinical testing. Allele origin: germline.
Comment: The WASHC5 c.1144G>C variant is predicted to result in the amino acid substitution p.Asp382His. To our knowledge, this variant has not been reported in the literature or in a large population database, indicating this variant is rare. At this time, the clinical significance of this variant is uncertain due to the absence of conclusive functional and genetic evidence.